The following is an entry in ClinVar:

NM_001178015.2(SLC4A10):c.3166C>G (p.Gln1056Glu)

Gene: SLC4A10 (solute carrier family 4 member 10; plus strand). Cytogenetic location: 2q24.2.
Variant type: single nucleotide variant.
Coding change: c.3166C>G on transcript NM_001178015.2 (MANE Select); coding-DNA position 3166, C replaced by G.
Protein change: p.Gln1056Glu; replaces glutamine 1056 with glutamic acid.
Molecular consequence: missense variant.
Genome position (GRCh38, 1-based): chr2:161,974,255, C>G. VCF-style: chr2-161974255-C-G. GRCh37 (hg19) VCF-style: chr2-162830765-C-G.
Other names: c.3109C>G, p.Gln1037Glu (NM_001178016.2, NM_001354445.2); c.3166C>G, p.Gln1056Glu (NM_001354440.2); c.3199C>G, p.Gln1067Glu (NM_001354441.2, NM_001354442.2); c.3112C>G, p.Gln1038Glu (NM_001354443.2, NM_001354447.2); c.3163C>G, p.Gln1055Glu (NM_001354444.2); c.3076C>G, p.Gln1026Glu (NM_001354446.2, NM_001354450.2, NM_022058.4); c.3106C>G, p.Gln1036Glu (NM_001354448.2); c.3073C>G, p.Gln1025Glu (NM_001354449.2, NM_001354451.2); and 4 more; short protein forms Q1056E, Q1037E, Q1067E, Q1025E, Q1036E, Q833E, Q1026E, Q977E.
Identifiers: ClinVar variation 448415 (VCV000448415.4), dbSNP rs142943771, ClinGen allele CA1931787.
Genomic context (GRCh38, chr2:161,974,255, plus strand): 5'-GTAAAATGGAGACTCATCAGGTTCACTTTATATACTTTACATTTGTCTTTTCAGGAAGAA[C>G]AAAGTATGCTAGCTATGGAAGATGAGGGCACAGTACAACTCCCATTGGAAGGGCACTATA-3'
Protein context (NP_001171486.1, residues 1046-1066): KLEDAEKEEE[Gln1056Glu]SMLAMEDEGT

ClinVar aggregate classification (germline): Uncertain significance. Review status: criteria provided, multiple submitters, no conflicts (2 of 4 stars). 3 submissions from 3 submitters: Uncertain significance (2). 1 of the submissions does not count toward it. Last evaluated 2016-08-11.

Conditions:
SLC4A10-related disorder. Also called: SLC4A10-related condition.

Allele frequency attached by ClinVar (database versions not stated): gnomAD exomes 0.00017 and 0.00037; ExAC 0.00064; 1000 Genomes Project 30x 0.00094; 1000 Genomes Project 0.00120; gnomAD 0.00151 and 0.00171; ESP Exome Variant Server 0.00168; TOPMed 0.00168.
gnomAD v4.1: 489 of 1,605,336 alleles (0.03%); highest among the groups gnomAD compares: African/African-American, 0.5%; 1 homozygote.

Submissions (3):

Athena Diagnostics
Classification: Uncertain significance. Last evaluated: 2016-08-11. Review status: criteria provided, single submitter. Criteria: Athena Diagnostics Criteria. Collection method: clinical testing. Allele origin: germline.

Breakthrough Genomics
Classification: Uncertain significance. Review status: criteria provided, single submitter. Criteria: ACMG Guidelines, 2015. Collection method: not provided. Allele origin: germline. Inheritance: Unknown mechanism. Affected: yes.

PreventionGenetics, part of Exact Sciences
Classification: Likely benign for SLC4A10-related condition. Last evaluated: 2023-04-24. Review status: no assertion criteria provided. Collection method: clinical testing. Allele origin: germline. Not counted in ClinVar's aggregate classification.
Comment: This variant is classified as likely benign based on ACMG/AMP sequence variant interpretation guidelines (Richards et al. 2015 PMID: 25741868, with internal and published modifications).